The following is an entry in ClinVar:

ClinVar aggregate classification (germline): Uncertain significance. Review status: criteria provided, multiple submitters, no conflicts (2 of 4 stars). 2 submissions from 2 submitters: Uncertain significance (2). Last evaluated 2022-05-04.

Conditions:
Inborn genetic diseases. Identifiers: MedGen C0950123, MeSH D030342.

Allele frequency attached by ClinVar (database versions not stated): ExAC 0.00007; gnomAD exomes 0.00008 and 0.00033; gnomAD 0.00009 and 0.00014; TOPMed 0.00009; ESP Exome Variant Server 0.00023.
gnomAD v4.1: 490 of 1,611,244 alleles (0.03%); highest among the groups gnomAD compares: Non-Finnish European, 0.039%; no homozygotes.

Submissions (2):

Ambry Genetics
Classification: Uncertain significance for Inborn genetic diseases. Last evaluated: 2022-05-04. Review status: criteria provided, single submitter. Criteria: Ambry Variant Classification Scheme 2023. Collection method: clinical testing. Allele origin: germline.

Labcorp Genetics (formerly Invitae), Labcorp
Classification: Uncertain significance. Last evaluated: 2022-03-22. Review status: criteria provided, single submitter. Criteria: Invitae Variant Classification Sherloc (09022015). Collection method: clinical testing. Allele origin: germline.
Comment: This sequence change replaces threonine, which is neutral and polar, with methionine, which is neutral and non-polar, at codon 688 of the DENND5A protein (p.Thr688Met). This variant is present in population databases (rs140272602, gnomAD 0.01%). This variant has not been reported in the literature in individuals affected with DENND5A-related conditions. Algorithms developed to predict the effect of missense changes on protein structure and function (SIFT, PolyPhen-2, Align-GVGD) all suggest that this variant is likely to be tolerated. In summary, the available evidence is currently insufficient to determine the role of this variant in disease. Therefore, it has been classified as a Variant of Uncertain Significance.

NM_015213.4(DENND5A):c.2063C>T (p.Thr688Met)

Genes: DENND5A (DENN domain containing 5A; minus strand), LOC126861134 (CDK7 strongly-dependent group 2 enhancer GRCh37_chr11:9190693-9191892; plus strand). Cytogenetic location: 11p15.4.
Variant type: single nucleotide variant.
Coding change: c.2063C>T on transcript NM_015213.4 (MANE Select); coding-DNA position 2063, C replaced by T.
Protein change: p.Thr688Met; replaces threonine 688 with methionine.
Molecular consequence: missense variant. On other transcripts: non-coding transcript variant (1).
Genome position (GRCh38, 1-based): chr11:9,169,944, G>A on the plus strand (C>T on the coding strand, the complement: DENND5A is on the minus strand). VCF-style: chr11-9169944-G-A. GRCh37 (hg19) VCF-style: chr11-9191491-G-A.
Other names: c.2063C>T, p.Thr688Met (NM_001243254.2); c.1991C>T, p.Thr664Met (NM_001348749.2); c.1775C>T, p.Thr592Met (NM_001348750.2); c.2063C>T (NM_015213.3); short protein forms T592M, T664M, T688M.
Identifiers: ClinVar variation 1497715 (VCV001497715.4), dbSNP rs140272602, ClinGen allele CA5877443.